The following is an entry in ClinVar:

ClinVar aggregate classification (germline): Uncertain significance (1 of 4 stars; one submission).

Conditions:
Hereditary spastic paraplegia 11. Also called: Spastic paraplegia, mental retardation and thin corpus callosum; Nakamura Osame syndrome; Autosomal recessive hereditary spastic paraplegia, mental impairment, and thin corpus callosum; SPASTIC PARAPLEGIA, AUTOSOMAL RECESSIVE, COMPLICATED, WITH THIN CORPUS CALLOSUM; SPASTIC PARAPLEGIA, AUTOSOMAL RECESSIVE, WITH MENTAL IMPAIRMENT AND THIN CORPUS CALLOSUM; Spastic Paraplegia 11. Identifiers: Orphanet 2822, MedGen C1858479, MONDO:0011445, OMIM 604360.

Allele frequency attached by ClinVar (database versions not stated): gnomAD exomes below 0.00001; ExAC 0.00001; gnomAD 0.00001.
gnomAD v4.1: 2 of 1,613,732 alleles (0.00012%); highest among the groups gnomAD compares: African/African-American, 0.0027%; no homozygotes.

Submission:

Labcorp Genetics (formerly Invitae), Labcorp
Classification: Uncertain significance for Hereditary spastic paraplegia 11. Last evaluated: 2022-07-15. Review status: criteria provided, single submitter. Criteria: Invitae Variant Classification Sherloc (09022015). Collection method: clinical testing. Allele origin: germline.
Comment: This sequence change replaces serine, which is neutral and polar, with phenylalanine, which is neutral and non-polar, at codon 1302 of the SPG11 protein (p.Ser1302Phe). This variant is present in population databases (rs780298482, gnomAD 0.007%). This variant has not been reported in the literature in individuals affected with SPG11-related conditions. Algorithms developed to predict the effect of missense changes on protein structure and function are either unavailable or do not agree on the potential impact of this missense change (SIFT: "Tolerated"; PolyPhen-2: "Possibly Damaging"; Align-GVGD: "Class C0"). In summary, the available evidence is currently insufficient to determine the role of this variant in disease. Therefore, it has been classified as a Variant of Uncertain Significance.

NM_025137.4(SPG11):c.3905C>T (p.Ser1302Phe)

Gene: SPG11 (SPG11 vesicle trafficking associated, spatacsin; minus strand). Cytogenetic location: 15q21.1.
Variant type: single nucleotide variant.
Coding change: c.3905C>T on transcript NM_025137.4 (MANE Select); coding-DNA position 3905, C replaced by T.
Protein change: p.Ser1302Phe; replaces serine 1302 with phenylalanine.
Molecular consequence: missense variant.
Genome position (GRCh38, 1-based): chr15:44,598,361, G>A on the plus strand (C>T on the coding strand, the complement: SPG11 is on the minus strand). VCF-style: chr15-44598361-G-A. GRCh37 (hg19) VCF-style: chr15-44890559-G-A.
Other names: c.3905C>T, p.Ser1302Phe (NM_001160227.2, NM_001411132.1); short protein forms S1302F.
Identifiers: ClinVar variation 2153482 (VCV002153482.1), dbSNP rs780298482, ClinGen allele CA7534821.